The following is an entry in ClinVar:

NM_020778.5(ALPK3):c.4193G>C (p.Trp1398Ser)

Gene: ALPK3 (alpha kinase 3; plus strand). Cytogenetic location: 15q25.3.
Variant type: single nucleotide variant.
Coding change: c.4193G>C on transcript NM_020778.5 (MANE Select); coding-DNA position 4193, G replaced by C.
Protein change: p.Trp1398Ser; replaces tryptophan 1398 with serine.
Molecular consequence: missense variant.
Genome position (GRCh38, 1-based): chr15:84,862,698, G>C. VCF-style: chr15-84862698-G-C. GRCh37 (hg19) VCF-style: chr15-85405929-G-C.
Other names: c.4799G>C (NM_020778.4); short protein forms W1398S.
Identifiers: ClinVar variation 2972774 (VCV002972774.4), dbSNP rs756411505, ClinGen allele CA393362700.

ClinVar aggregate classification (germline): Uncertain significance. Review status: criteria provided, multiple submitters, no conflicts (2 of 4 stars). 2 submissions from 2 submitters: Uncertain significance (2). Last evaluated 2024-08-20.

Conditions:
Cardiovascular phenotype. Identifiers: MedGen CN230736.

gnomAD v4.1: 6 of 1,614,178 alleles (0.00037%); highest among the groups gnomAD compares: Non-Finnish European, 0.00042%; no homozygotes.

Submissions (2):

Labcorp Genetics (formerly Invitae), Labcorp
Classification: Uncertain significance. Last evaluated: 2024-08-20. Review status: criteria provided, single submitter. Criteria: Invitae Variant Classification Sherloc (09022015). Collection method: clinical testing. Allele origin: germline.
Comment: This sequence change replaces tryptophan, which is neutral and slightly polar, with serine, which is neutral and polar, at codon 1600 of the ALPK3 protein (p.Trp1600Ser). This variant is not present in population databases (gnomAD no frequency). This missense change has been observed in individual(s) with ALPK3-related conditions (PMID: 31931689). An algorithm developed to predict the effect of missense changes on protein structure and function (PolyPhen-2) suggests that this variant is likely to be disruptive. In summary, the available evidence is currently insufficient to determine the role of this variant in disease. Therefore, it has been classified as a Variant of Uncertain Significance.

Ambry Genetics
Classification: Uncertain significance for Cardiovascular phenotype. Last evaluated: 2023-11-27. Review status: criteria provided, single submitter. Criteria: Ambry Variant Classification Scheme 2023. Collection method: clinical testing. Allele origin: germline.
Comment: The p.W1600S variant (also known as c.4799G>C), located in coding exon 10 of the ALPK3 gene, results from a G to C substitution at nucleotide position 4799. The tryptophan at codon 1600 is replaced by serine, an amino acid with highly dissimilar properties. This alteration has been reported in a dilated cardiomyopathy (DCM) cohort (Ramchand J et al. J Am Heart Assoc, 2020 Jan;9:e013346). This amino acid position is highly conserved in available vertebrate species. In addition, the in silico prediction for this alteration is inconclusive. Since supporting evidence is limited at this time, the clinical significance of this alteration remains unclear.

Literature cited by the submitters: PubMed 31931689 (cited by Labcorp Genetics (formerly Invitae), Labcorp and Ambry Genetics).